The following is an entry in ClinVar:

ClinVar aggregate classification (germline): Uncertain significance. Review status: criteria provided, multiple submitters, no conflicts (2 of 4 stars). 2 submissions from 2 submitters: Uncertain significance (2). Last evaluated 2023-04-27.

Conditions:
Familial infantile myasthenia (CMS6). Also called: MYASTHENIC SYNDROME, CONGENITAL, 6, PRESYNAPTIC; MYASTHENIC SYNDROME, PRESYNAPTIC, CONGENITAL, ASSOCIATED WITH EPISODIC APNEA; Congenital myasthenic syndrome type 6. Identifiers: Orphanet 590, MedGen C0393929, MONDO:0009689, OMIM 254210.

Allele frequency attached by ClinVar (database versions not stated): gnomAD exomes below 0.00001; ExAC 0.00001.

Submissions (2):

Labcorp Genetics (formerly Invitae), Labcorp
Classification: Uncertain significance for Familial infantile myasthenia. Last evaluated: 2023-04-27. Review status: criteria provided, single submitter. Criteria: Invitae Variant Classification Sherloc (09022015). Collection method: clinical testing. Allele origin: germline.
Comment: This variant is present in population databases (rs749662741, gnomAD 0.003%). This sequence change replaces proline, which is neutral and non-polar, with leucine, which is neutral and non-polar, at codon 267 of the CHAT protein (p.Pro267Leu). This variant has not been reported in the literature in individuals affected with CHAT-related conditions. In summary, the available evidence is currently insufficient to determine the role of this variant in disease. Therefore, it has been classified as a Variant of Uncertain Significance. Advanced modeling of protein sequence and biophysical properties (such as structural, functional, and spatial information, amino acid conservation, physicochemical variation, residue mobility, and thermodynamic stability) has been performed at Invitae for this missense variant, however the output from this modeling did not meet the statistical confidence thresholds required to predict the impact of this variant on CHAT protein function. ClinVar contains an entry for this variant (Variation ID: 1347548).

Revvity Omics, Revvity
Classification: Uncertain significance for Familial infantile myasthenia. Last evaluated: 2020-09-29. Review status: criteria provided, single submitter. Criteria: ACMG Guidelines, 2015. Collection method: clinical testing. Allele origin: germline.

NM_020549.5(CHAT):c.800C>T (p.Pro267Leu)

Gene: CHAT (choline O-acetyltransferase; plus strand). Cytogenetic location: 10q11.23.
Variant type: single nucleotide variant.
Coding change: c.800C>T on transcript NM_020549.5 (MANE Select); coding-DNA position 800, C replaced by T.
Protein change: p.Pro267Leu; replaces proline 267 with leucine.
Molecular consequence: missense variant.
Genome position (GRCh38, 1-based): chr10:49,625,520, C>T. VCF-style: chr10-49625520-C-T. GRCh37 (hg19) VCF-style: chr10-50833566-C-T.
Other names: c.446C>T, p.Pro149Leu (NM_001142929.2, NM_001142934.2, NM_020984.4 and 2 more transcripts); c.554C>T, p.Pro185Leu (NM_001142933.2); c.800C>T (NM_020549.4); short protein forms P149L, P185L, P267L.
Identifiers: ClinVar variation 1347548 (VCV001347548.10), dbSNP rs749662741, ClinGen allele CA5497274.